The following is an entry in ClinVar:

ClinVar aggregate classification (germline): Uncertain significance. Review status: criteria provided, multiple submitters, no conflicts (2 of 4 stars). 2 submissions from 2 submitters: Uncertain significance (2). Last evaluated 2024-11-27.

Submissions (2):

GeneDx
Classification: Uncertain significance. Last evaluated: 2024-11-27. Review status: criteria provided, single submitter. Criteria: GeneDx Variant Classification Process June 2021. Collection method: clinical testing. Allele origin: germline. Affected: yes.
Comment: Not observed at significant frequency in large population cohorts (gnomAD); In silico analysis supports that this missense variant has a deleterious effect on protein structure/function; Has not been previously published as pathogenic or benign to our knowledge

Labcorp Genetics (formerly Invitae), Labcorp
Classification: Uncertain significance. Last evaluated: 2024-03-02. Review status: criteria provided, single submitter. Criteria: Invitae Variant Classification Sherloc (09022015). Collection method: clinical testing. Allele origin: germline.
Comment: This sequence change replaces isoleucine, which is neutral and non-polar, with threonine, which is neutral and polar, at codon 270 of the ATP1A1 protein (p.Ile270Thr). This variant is not present in population databases (gnomAD no frequency). This variant has not been reported in the literature in individuals affected with ATP1A1-related conditions. Advanced modeling of protein sequence and biophysical properties (such as structural, functional, and spatial information, amino acid conservation, physicochemical variation, residue mobility, and thermodynamic stability) has been performed at Invitae for this missense variant, however the output from this modeling did not meet the statistical confidence thresholds required to predict the impact of this variant on ATP1A1 protein function. In summary, the available evidence is currently insufficient to determine the role of this variant in disease. Therefore, it has been classified as a Variant of Uncertain Significance.

NM_000701.8(ATP1A1):c.809T>C (p.Ile270Thr)

Gene: ATP1A1 (ATPase Na+/K+ transporting subunit alpha 1; plus strand). Cytogenetic location: 1p13.1.
Variant type: single nucleotide variant.
Coding change: c.809T>C on transcript NM_000701.8 (MANE Select); coding-DNA position 809, T replaced by C.
Protein change: p.Ile270Thr; replaces isoleucine 270 with threonine.
Molecular consequence: missense variant.
Genome position (GRCh38, 1-based): chr1:116,389,493, T>C. VCF-style: chr1-116389493-T-C. GRCh37 (hg19) VCF-style: chr1-116932115-T-C.
Other names: c.809T>C, p.Ile270Thr (NM_001160233.2); c.716T>C, p.Ile239Thr (NM_001160234.2); c.809T>C (NM_000701.7); short protein forms I239T, I270T.
Identifiers: ClinVar variation 3644160 (VCV003644160.3).